The following is an entry in ClinVar:

ClinVar aggregate classification (germline): Uncertain significance. Review status: criteria provided, single submitter (1 of 4 stars). 2 submissions from 2 submitters: Uncertain significance (1). 1 of the submissions does not count toward it. Last evaluated 2023-03-04.

Conditions:
Hereditary cancer-predisposing syndrome. Also called: Neoplastic Syndromes, Hereditary; Tumor predisposition; Hereditary neoplastic syndrome; Hereditary Cancer Syndrome. Identifiers: Orphanet 140162, MedGen C0027672, MeSH D009386, MONDO:0015356.
Prostate cancer, hereditary, 1 (HPC1). Identifiers: Orphanet 1331, MedGen C4722327, MONDO:0011098, OMIM 601518.

Submissions (2):

Ambry Genetics
Classification: Uncertain significance for Hereditary cancer-predisposing syndrome. Last evaluated: 2023-03-04. Review status: criteria provided, single submitter. Criteria: Ambry Variant Classification Scheme 2023. Collection method: clinical testing. Allele origin: germline.
Comment: The p.P65Q variant (also known as c.194C>A), located in coding exon 1 of the HOXB13 gene, results from a C to A substitution at nucleotide position 194. The proline at codon 65 is replaced by glutamine, an amino acid with similar properties. This amino acid position is conserved. In addition, the in silico prediction for this alteration is inconclusive. Since supporting evidence is limited at this time, the clinical significance of this alteration remains unclear.

Laboratory of Virology, Microbiology,  Quality and Medical Biotechnologies, Faculty of Sciences and Techniques - Mohammedia, Hassan II University of Casablanca
Classification: Uncertain significance for Prostate cancer, hereditary, 1. Review status: no assertion criteria provided. Collection method: clinical testing. Allele origin: somatic. Affected: yes. Not counted in ClinVar's aggregate classification.

NM_006361.6(HOXB13):c.194C>A (p.Pro65Gln)

Gene: HOXB13 (homeobox B13; minus strand). Cytogenetic location: 17q21.32.
Variant type: single nucleotide variant.
Coding change: c.194C>A on transcript NM_006361.6 (MANE Select); coding-DNA position 194, C replaced by A.
Protein change: p.Pro65Gln; replaces proline 65 with glutamine.
Molecular consequence: missense variant.
Genome position (GRCh38, 1-based): chr17:48,728,400, G>T on the plus strand (C>A on the coding strand, the complement: HOXB13 is on the minus strand). VCF-style: chr17-48728400-G-T. GRCh37 (hg19) VCF-style: chr17-46805762-G-T.
Other names: short protein forms P65Q.
Identifiers: ClinVar variation 690615 (VCV000690615.4), dbSNP rs1597934831, ClinGen allele CA400107947.
Genomic context (GRCh38, chr17:48,728,400, plus strand): 5'-CCTCCAAAGTAACCATAAGGCACGGGAGCTGGGGACGTCCCCTGGGGCACCCCAGGGCAT[G>T]GGTGGCATTGCTTTGGCGGCTCCGCCGAGCCTGGCAGATCCAAGGGGGCATAGTTGACAG-3'
Protein context (NP_006352.2, residues 55-75): GSAEPPKQCH[Pro65Gln]CPGVPQGTSP